The following is an entry in ClinVar:

NM_001276270.2(MBD4):c.939_943del (p.Glu314fs)

Gene: MBD4 (methyl-CpG binding domain 4, DNA glycosylase; minus strand). Cytogenetic location: 3q21.3.
Variant type: Deletion.
Coding change: c.939_943del on transcript NM_001276270.2 (MANE Select); coding-DNA positions 939 to 943, 5 bases deleted (AGAAA; older notation c.939_943delAGAAA).
Protein change: p.Glu314fs; shifts the reading frame from glutamic acid 314.
Molecular consequence: frameshift variant. On other transcripts: intron variant (1).
Genome position (GRCh38, 1-based): chr3:129,436,701-129,436,705, TTTCT deleted on the plus strand (AGAAA on the coding strand, the reverse complement: MBD4 is on the minus strand); deleting any 5 consecutive bases within chr3:129,436,701-129,436,708 gives the same sequence; the c. name uses the placement nearest the transcript's 3' end. VCF-style (leftmost placement, unchanged base first): chr3-129436700-CTTTCT-C. GRCh37 (hg19) VCF-style: chr3-129155543-CTTTCT-C.
Other names: c.939_943delAGAAA (NM_001276270.2); c.939_943del, p.Glu314fs (NM_001276271.2, NM_001276272.2, NM_003925.3); c.247+1103_247+1107del (NM_001276273.2); short protein forms E314fs.
Identifiers: ClinVar variation 4827729 (VCV004827729.2).

ClinVar aggregate classification (germline): Pathogenic. Review status: criteria provided, multiple submitters, no conflicts (2 of 4 stars). 2 submissions from 2 submitters: Pathogenic (2). Last evaluated 2026-09-24.

Conditions:
Inborn genetic diseases. Identifiers: MedGen C0950123, MeSH D030342.
Tumor predisposition syndrome 2 (TPDS2). Also called: MBD4-ASSOCIATED NEOPLASIA SYNDROME; MBD4-Related Tumor Predisposition Syndrome; MBD4-associated neoplasia syndrome (MANS). Identifiers: Orphanet 661526, MedGen C5774186, MONDO:0859267, OMIM 619975.

Submissions (2):

Myriad Genetics, Inc.
Classification: Pathogenic for Tumor predisposition syndrome 2. Last evaluated: 2026-09-24. Review status: criteria provided, single submitter. Criteria: Myriad Autosomal Dominant, Autosomal Recessive and X-Linked Classification Criteria (2023). Collection method: clinical testing. Allele origin: unknown.
Comment: This variant is considered pathogenic. This variant creates a frameshift predicted to result in premature protein truncation.

Ambry Genetics
Classification: Pathogenic for Inborn genetic diseases. Last evaluated: 2026-03-06. Review status: criteria provided, single submitter. Criteria: Ambry Variant Classification Scheme 2023. Collection method: clinical testing. Allele origin: germline.
Comment: The c.939_943delAGAAA pathogenic mutation, located in coding exon 3 of the MBD4 gene, results from a deletion of 5 nucleotides at nucleotide positions 939 to 943, causing a translational frameshift with a predicted alternate stop codon (p.E314Ifs*11). This variant is considered to be rare based on population cohorts in the Genome Aggregation Database (gnomAD). This alteration is expected to result in loss of function by premature protein truncation or nonsense-mediated mRNA decay. As such, this alteration is interpreted as a disease-causing mutation.